The following is an entry in ClinVar:

NM_183235.3(RAB27A):c.343+3_343+6del

Gene: RAB27A (RAB27A, member RAS oncogene family; minus strand). Cytogenetic location: 15q21.3.
Variant type: Microsatellite.
Coding change: c.343+3_343+6del on transcript NM_183235.3 (MANE Select); bases 3 to 6 of the intron after coding-DNA position 343, 4 bases deleted (AAGT; older notation c.343+3_343+6delAAGT).
Molecular consequence: splice donor variant.
Genome position (GRCh38, 1-based): chr15:55,228,603-55,228,606, ACTT deleted on the plus strand (AAGT on the coding strand, the reverse complement: RAB27A is on the minus strand); deleting any 4 consecutive bases within chr15:55,228,603-55,228,611 gives the same sequence; the c. name uses the placement nearest the transcript's 3' end. VCF-style (leftmost placement, unchanged base first): chr15-55228602-CACTT-C. GRCh37 (hg19) VCF-style: chr15-55520800-CACTT-C.
Other names: c.343+3_343+6del (NM_001438970.1, NM_001438977.1, NM_001438975.1 and 11 more transcripts).
Identifiers: ClinVar variation 316648 (VCV000316648.8), dbSNP rs886051317, ClinGen allele CA10636302.
Genomic context (GRCh38, chr15:55,228,602, plus strand): 5'-CATAAGAGGGCATTCTATAAATAAGAGGGGACTGTGTAGCAGGACACTGGGGAACAATAA[CACTT>C]ACTTATCCAGTTTCTGACATTGAGGAAACTTTGCTCATTTGTCAGATCAAAAAGTAGAAG-3'

ClinVar aggregate classification (germline): Uncertain significance (1 of 4 stars; one submission).

Conditions:
Griscelli syndrome type 2 (GS2). Also called: GRISCELLI SYNDROME WITH HEMOPHAGOCYTIC SYNDROME; PAID SYNDROME; PARTIAL ALBINISM AND IMMUNODEFICIENCY SYNDROME. Identifiers: Orphanet 381, Orphanet 79477, MedGen C1868679, MONDO:0011872, OMIM 607624.

Submission:

Labcorp Genetics (formerly Invitae), Labcorp
Classification: Uncertain significance for Griscelli syndrome type 2. Last evaluated: 2023-09-13. Review status: criteria provided, single submitter. Criteria: Invitae Variant Classification Sherloc (09022015). Collection method: clinical testing. Allele origin: germline.
Comment: This variant is not present in population databases (gnomAD no frequency). This sequence change falls in intron 4 of the RAB27A gene. It does not directly change the encoded amino acid sequence of the RAB27A protein. It affects a nucleotide within the consensus splice site. This variant has not been reported in the literature in individuals affected with RAB27A-related conditions. In summary, the available evidence is currently insufficient to determine the role of this variant in disease. Therefore, it has been classified as a Variant of Uncertain Significance. Variants that disrupt the consensus splice site are a relatively common cause of aberrant splicing (PMID: 17576681, 9536098). Algorithms developed to predict the effect of sequence changes on RNA splicing suggest that this variant may disrupt the consensus splice site. ClinVar contains an entry for this variant (Variation ID: 316648).

Literature cited by the submitters: PubMed 17576681; PubMed 9536098.